The following is an entry in ClinVar:

NM_001142800.2(EYS):c.4554A>C (p.Thr1518=)

Gene: EYS (EGF-like photoreceptor maintenance factor; minus strand). Cytogenetic location: 6q12.
Variant type: single nucleotide variant.
Coding change: c.4554A>C on transcript NM_001142800.2 (MANE Select); coding-DNA position 4554, A replaced by C.
Protein change: p.Thr1518=; no amino-acid change (threonine 1518 retained).
Molecular consequence: synonymous variant.
Genome position (GRCh38, 1-based): chr6:64,591,313, T>G on the plus strand (A>C on the coding strand, the complement: EYS is on the minus strand). VCF-style: chr6-64591313-T-G. GRCh37 (hg19) VCF-style: chr6-65301206-T-G.
Other names: c.4554A>C, p.Thr1518= (NM_001292009.2).
Identifiers: ClinVar variation 357711 (VCV000357711.64), dbSNP rs772339340, ClinGen allele CA3877071.

ClinVar aggregate classification (germline): Conflicting classifications of pathogenicity. Review status: criteria provided, conflicting classifications (1 of 4 stars). 8 submissions from 8 submitters: Uncertain significance (1); Benign (1); Likely benign (4). 2 of the submissions do not count toward it. Last evaluated 2026-01-24.

Conditions:
Retinitis pigmentosa 25 (RP25). Identifiers: Orphanet 791, MedGen C1864446, MONDO:0011272, OMIM 602772.
Retinitis pigmentosa (RP). Identifiers: Orphanet 791, MedGen C0035334, MeSH D012174, MONDO:0019200, OMIM 268000. Inheritance: Autosomal dominant, autosomal recessive and X linked inheritance.
Autosomal recessive retinitis pigmentosa. Identifiers: MedGen C0339526.

Allele frequency attached by ClinVar (database versions not stated): TOPMed 0.00057; gnomAD exomes 0.00063; ExAC 0.00066; gnomAD 0.00124.
gnomAD v4.1: 918 of 1,551,296 alleles (0.059%); highest among the groups gnomAD compares: Non-Finnish European, 0.064%; 2 homozygotes.

Submissions (8):

Labcorp Genetics (formerly Invitae), Labcorp
Classification: Likely benign. Last evaluated: 2026-01-24. Review status: criteria provided, single submitter. Criteria: Invitae Variant Classification Sherloc (09022015). Collection method: clinical testing. Allele origin: germline.

CeGaT Center for Human Genetics Tuebingen
Classification: Likely benign. Last evaluated: 2025-08-01. Review status: criteria provided, single submitter. Criteria: CeGaT Center For Human Genetics Tuebingen Variant Classification Criteria Version 2. Collection method: clinical testing. Allele origin: germline. Affected: yes. Observed: 4 variant alleles.
Comment: EYS: BP4, BP7

Blueprint Genetics
Classification: Likely benign. Last evaluated: 2024-11-22. Review status: criteria provided, single submitter. Criteria: ACMG Guidelines, 2015. Collection method: clinical testing. Allele origin: germline.

ARUP Laboratories, Molecular Genetics and Genomics, ARUP Laboratories
Classification: Benign for Retinitis pigmentosa 25. Last evaluated: 2019-09-16. Review status: criteria provided, single submitter. Criteria: ARUP Molecular Germline Variant Investigation Process. Collection method: clinical testing. Allele origin: germline.

Illumina Laboratory Services, Illumina
Classification: Uncertain significance for Retinitis pigmentosa. Last evaluated: 2018-01-13. Review status: criteria provided, single submitter. Criteria: ICSL Variant Classification Criteria 13 December 2019. Collection method: clinical testing. Allele origin: germline.

Clinical Genetics DNA and cytogenetics Diagnostics Lab, Erasmus MC, Erasmus Medical Center
Classification: Likely benign for Retinitis pigmentosa 25. Last evaluated: 2017-06-28. Review status: criteria provided, single submitter. Criteria: ACGS Guidelines, 2013. Collection method: clinical testing. Allele origin: germline. Affected: yes. Study: VKGL Data-share Consensus.

Natera, Inc.
Classification: Uncertain significance for Autosomal recessive retinitis pigmentosa. Last evaluated: 2020-06-26. Review status: no assertion criteria provided. Collection method: clinical testing. Allele origin: germline. Not counted in ClinVar's aggregate classification.

Clinical Genetics, Academic Medical Center
Classification: Benign. Review status: no assertion criteria provided. Collection method: clinical testing. Allele origin: germline. Affected: yes. Study: VKGL Data-share Consensus. Not counted in ClinVar's aggregate classification.